The following is an entry in ClinVar:

ClinVar aggregate classification (germline): Uncertain significance (1 of 4 stars; one submission).

Conditions:
KMT2D-related disorder. Also called: KMT2D-Related Disorders.

gnomAD v4.1: 2 of 1,613,998 alleles (0.00012%); highest among the groups gnomAD compares: Non-Finnish European, 0.000085%; no homozygotes.

Submission:

PreventionGenetics, part of Exact Sciences
Classification: Uncertain significance for KMT2D-related condition. Last evaluated: 2025-12-30. Review status: criteria provided, single submitter. Criteria: ACMG Guidelines, 2015. Collection method: clinical testing. Allele origin: germline.
Comment: The KMT2D c.16180G>A variant is predicted to result in the amino acid substitution p.Glu5394Lys. To our knowledge, this variant has not been reported in the literature. This variant is reported in 0.0046% of alleles in individuals of European (Finnish) descent in gnomAD. At this time, the clinical significance of this variant is uncertain due to the absence of conclusive functional and genetic evidence.

NM_003482.4(KMT2D):c.16180G>A (p.Glu5394Lys)

Gene: KMT2D (lysine methyltransferase 2D; minus strand). Cytogenetic location: 12q13.12.
Variant type: single nucleotide variant.
Coding change: c.16180G>A on transcript NM_003482.4 (MANE Select); coding-DNA position 16180, G replaced by A.
Protein change: p.Glu5394Lys; replaces glutamic acid 5394 with lysine.
Molecular consequence: missense variant.
Genome position (GRCh38, 1-based): chr12:49,022,748, C>T on the plus strand (G>A on the coding strand, the complement: KMT2D is on the minus strand). VCF-style: chr12-49022748-C-T. GRCh37 (hg19) VCF-style: chr12-49416531-C-T.
Other names: short protein forms E5394K.
Identifiers: ClinVar variation 4987170 (VCV004987170.1).